The following is an entry in ClinVar:

ClinVar aggregate classification (germline): Conflicting classifications of pathogenicity. Review status: criteria provided, conflicting classifications (1 of 4 stars). 8 submissions from 8 submitters: Uncertain significance (1); Benign (1); Likely benign (5). 1 of the submissions does not count toward it. Last evaluated 2026-01-13.

Conditions:
Cardiovascular phenotype. Identifiers: MedGen CN230736.
ABCG8-related disorder. Also called: ABCG8-related condition.

Allele frequency attached by ClinVar (database versions not stated): gnomAD exomes 0.00009 and 0.00029; ExAC 0.00026; gnomAD 0.00088 and 0.00093; TOPMed 0.00107; 1000 Genomes Project 30x 0.00109; ESP Exome Variant Server 0.00115; 1000 Genomes Project 0.00120.
gnomAD v4.1: 279 of 1,614,142 alleles (0.017%); highest among the groups gnomAD compares: African/African-American, 0.33%; 1 homozygote.

Submissions (8):

Labcorp Genetics (formerly Invitae), Labcorp
Classification: Benign. Last evaluated: 2026-01-13. Review status: criteria provided, single submitter. Criteria: Invitae Variant Classification Sherloc (09022015). Collection method: clinical testing. Allele origin: germline.

Women's Health and Genetics/Laboratory Corporation of America, LabCorp
Classification: Likely benign. Last evaluated: 2025-03-17. Review status: criteria provided, single submitter. Criteria: LabCorp Variant Classification Summary - May 2015. Collection method: clinical testing. Allele origin: germline.
Comment: Variant summary: ABCG8 c.1093A>G (p.Thr365Ala) results in a non-conservative amino acid change in the encoded protein sequence. Four of five in-silico tools predict a benign effect of the variant on protein function. The variant allele was found at a frequency of 0.00029 in 251314 control chromosomes, predominantly at a frequency of 0.004 within the African or African-American subpopulation in the gnomAD database, including 1 homozygotes. To our knowledge, no occurrence of c.1093A>G in individuals affected with Early Onset Coronary Artery Disease and no experimental evidence demonstrating its impact on protein function have been reported. ClinVar contains an entry for this variant (Variation ID: 286431). Based on the evidence outlined above, the variant was classified as likely benign.

Mayo Clinic Laboratories, Mayo Clinic
Classification: Likely benign. Last evaluated: 2025-01-20. Review status: criteria provided, single submitter. Criteria: ACMG Guidelines, 2015. Collection method: clinical testing. Allele origin: germline. Observed: 2 variant alleles.
Comment: BS1, BP4_moderate

Ambry Genetics
Classification: Likely benign for Cardiovascular phenotype. Last evaluated: 2024-08-29. Review status: criteria provided, single submitter. Criteria: Ambry Variant Classification Scheme 2023. Collection method: clinical testing. Allele origin: germline.

Blueprint Genetics
Classification: Likely benign. Last evaluated: 2023-06-01. Review status: criteria provided, single submitter. Criteria: ACMG Guidelines, 2015. Collection method: clinical testing. Allele origin: germline.

CeGaT Center for Human Genetics Tuebingen
Classification: Likely benign. Last evaluated: 2022-05-01. Review status: criteria provided, single submitter. Criteria: CeGaT Center For Human Genetics Tuebingen Variant Classification Criteria Version 2. Collection method: clinical testing. Allele origin: germline. Affected: yes. Observed: 1 variant allele.
Comment: ABCG8: BP4

Eurofins Ntd Llc (ga)
Classification: Uncertain significance. Last evaluated: 2017-07-11. Review status: criteria provided, single submitter. Criteria: EGL Classification Definitions 2015. Collection method: clinical testing. Allele origin: germline. Observed: 7 variant alleles, 7 heterozygotes.

PreventionGenetics, part of Exact Sciences
Classification: Likely benign for ABCG8-related condition. Last evaluated: 2022-03-17. Review status: no assertion criteria provided. Collection method: clinical testing. Allele origin: germline. Not counted in ClinVar's aggregate classification.
Comment: This variant is classified as likely benign based on ACMG/AMP sequence variant interpretation guidelines (Richards et al. 2015 PMID: 25741868, with internal and published modifications).

NM_022437.3(ABCG8):c.1093A>G (p.Thr365Ala)

Gene: ABCG8 (ATP binding cassette subfamily G member 8; plus strand). Cytogenetic location: 2p21.
Variant type: single nucleotide variant.
Coding change: c.1093A>G on transcript NM_022437.3 (MANE Select); coding-DNA position 1093, A replaced by G.
Protein change: p.Thr365Ala; replaces threonine 365 with alanine.
Molecular consequence: missense variant.
Genome position (GRCh38, 1-based): chr2:43,872,104, A>G. VCF-style: chr2-43872104-A-G. GRCh37 (hg19) VCF-style: chr2-44099243-A-G.
Other names: p.Thr365Ala; c.1093A>G, p.Thr365Ala (NM_001357321.2); c.1093A>G (NM_022437.2); short protein forms T365A.
Identifiers: ClinVar variation 286431 (VCV000286431.44), dbSNP rs114404835, ClinGen allele CA1637274.